The following is an entry in ClinVar:

ClinVar aggregate classification (germline): Benign. Review status: criteria provided, single submitter (1 of 4 stars). 3 submissions from 3 submitters: Benign (1). 2 of the submissions do not count toward it.

Conditions:
Diabetes mellitus, permanent neonatal 2. Also called: KCNJ11-Related Permanent Neonatal Diabetes Mellitus. Identifiers: MedGen C5394296, MONDO:0030087, OMIM 618856.
Permanent neonatal diabetes mellitus (PNDM). Identifiers: Orphanet 99885, MedGen C1833104, MONDO:0100164, MONDO:0011643. Disease mechanism: gain of function.
Neonatal hypoglycemia. Identifiers: MedGen C0158986, HP:0001998.

Submissions (3):

Clinical Genomics, Uppaluri K&H Personalized Medicine Clinic
Classification: Benign for Neonatal hypoglycemia. Review status: criteria provided, single submitter. Criteria: K&H Uppaluri Personalized Medicine Clinic Variant Classification & Assertion Criteria. Collection method: research. Allele origin: somatic. Inheritance: Autosomal dominant inheritance. Affected: yes.
Comment: Mutations in KCNJ11 gene can cause decreased production and secretion of insulin. This can lead to MODY. However,role of rs80356615 in oral sulfonylureas response remains uncertain.

OMIM
Classification: Pathogenic for DIABETES MELLITUS, PERMANENT NEONATAL, 2, WITH NEUROLOGIC FEATURES. Last evaluated: 2008-03-01. Review status: no assertion criteria provided. Collection method: literature only. Allele origin: germline. Not counted in ClinVar's aggregate classification.

GeneReviews
No classification provided. Condition: Permanent neonatal diabetes mellitus. Review status: no classification provided. Collection method: literature only. Allele origin: unknown. Not counted in ClinVar's aggregate classification.

Literature cited by the submitters: PubMed 21340152 (cited by Clinical Genomics, Uppaluri K&H Personalized Medicine Clinic); PubMed 30286572 (cited by Clinical Genomics, Uppaluri K&H Personalized Medicine Clinic); PubMed 18073297 (cited by OMIM and GeneReviews); PubMed 16609879 (cited by OMIM); PubMed 20301620 (cited by GeneReviews); NCBI Bookshelf NBK1447 (cited by GeneReviews).

NM_000525.4(KCNJ11):c.158G>A (p.Gly53Asp)

Gene: KCNJ11 (potassium inwardly rectifying channel subfamily J member 11; minus strand). Cytogenetic location: 11p15.1.
Variant type: single nucleotide variant.
Coding change: c.158G>A on transcript NM_000525.4 (MANE Select); coding-DNA position 158, G replaced by A.
Protein change: p.Gly53Asp; replaces glycine 53 with aspartic acid.
Molecular consequence: missense variant. On other transcripts: intron variant (3).
Genome position (GRCh38, 1-based): chr11:17,387,934, C>T on the plus strand (G>A on the coding strand, the complement: KCNJ11 is on the minus strand). VCF-style: chr11-17387934-C-T. GRCh37 (hg19) VCF-style: chr11-17409481-C-T.
Other names: c.-16-88G>A (NM_001166290.2, NM_001377297.1); c.-17+84G>A (NM_001377296.1); short protein forms G53D.
Identifiers: ClinVar variation 8685 (VCV000008685.6), dbSNP rs80356615, ClinGen allele CA119837.